The following is an entry in ClinVar:

ClinVar aggregate classification (germline): Conflicting classifications of pathogenicity. Review status: criteria provided, conflicting classifications (1 of 4 stars). 2 submissions from 2 submitters: Uncertain significance (1); Likely benign (1). Last evaluated 2024-07-03.

Conditions:
Duchenne muscular dystrophy (DMD). Also called: Duchenne Muscular Dystrophy (DMD); MUSCULAR DYSTROPHY, PSEUDOHYPERTROPHIC PROGRESSIVE, DUCHENNE TYPE. Identifiers: Orphanet 98896, MedGen C0013264, MONDO:0010679, OMIM 310200.

gnomAD v4.1: 4 of 1,210,706 alleles (0.00033%); highest among the groups gnomAD compares: South Asian, 0.0053%; no homozygotes.

Submissions (2):

Labcorp Genetics (formerly Invitae), Labcorp
Classification: Uncertain significance for Duchenne muscular dystrophy. Last evaluated: 2024-07-03. Review status: criteria provided, single submitter. Criteria: Invitae Variant Classification Sherloc (09022015). Collection method: clinical testing. Allele origin: germline.
Comment: This sequence change replaces phenylalanine, which is neutral and non-polar, with leucine, which is neutral and non-polar, at codon 2694 of the DMD protein (p.Phe2694Leu). This variant is not present in population databases (gnomAD no frequency). This missense change has been observed in individual(s) with Duchenne muscular dystrophy (PMID: 32559196). Advanced modeling of protein sequence and biophysical properties (such as structural, functional, and spatial information, amino acid conservation, physicochemical variation, residue mobility, and thermodynamic stability) performed at Invitae indicates that this missense variant is not expected to disrupt DMD protein function with a negative predictive value of 95%. In summary, the available evidence is currently insufficient to determine the role of this variant in disease. Therefore, it has been classified as a Variant of Uncertain Significance.

Blueprint Genetics
Classification: Likely benign. Last evaluated: 2020-05-06. Review status: criteria provided, single submitter. Criteria: ACMG Guidelines, 2015. Collection method: clinical testing. Allele origin: germline.

Literature cited by the submitters: PubMed 32559196 (cited by Labcorp Genetics (formerly Invitae), Labcorp).

NM_004006.3(DMD):c.8082C>G (p.Phe2694Leu)

Gene: DMD (dystrophin; minus strand). Cytogenetic location: Xp21.1.
Variant type: single nucleotide variant.
Coding change: c.8082C>G on transcript NM_004006.3 (MANE Select); coding-DNA position 8082, C replaced by G.
Protein change: p.Phe2694Leu; replaces phenylalanine 2694 with leucine.
Molecular consequence: missense variant.
Genome position (GRCh38, 1-based): chrX:31,627,808, G>C on the plus strand (C>G on the coding strand, the complement: DMD is on the minus strand). VCF-style: chrX-31627808-G-C. GRCh37 (hg19) VCF-style: chrX-31645925-G-C.
Other names: c.8058C>G, p.Phe2686Leu (NM_000109.4); c.8070C>G, p.Phe2690Leu (NM_004009.3); c.7713C>G, p.Phe2571Leu (NM_004010.3); c.4059C>G, p.Phe1353Leu (NM_004011.4); c.4050C>G, p.Phe1350Leu (NM_004012.4); c.702C>G, p.Phe234Leu (NM_004013.3, NM_004020.4, NM_004021.3 and 2 more transcripts); short protein forms F2694L, F234L, F2571L, F1353L, F2690L, F1350L, F2686L.
Identifiers: ClinVar variation 3711981 (VCV003711981.3).